The following is an entry in ClinVar:

NM_002880.4(RAF1):c.1910G>A (p.Cys637Tyr)

Gene: RAF1 (Raf-1 proto-oncogene, serine/threonine kinase; minus strand). Cytogenetic location: 3p25.2.
Variant type: single nucleotide variant.
Coding change: c.1910G>A on transcript NM_002880.4 (MANE Select); coding-DNA position 1910, G replaced by A.
Protein change: p.Cys637Tyr; replaces cysteine 637 with tyrosine.
Molecular consequence: missense variant. On other transcripts: non-coding transcript variant (3).
Genome position (GRCh38, 1-based): chr3:12,584,551, C>T on the plus strand (G>A on the coding strand, the complement: RAF1 is on the minus strand). VCF-style: chr3-12584551-C-T. GRCh37 (hg19) VCF-style: chr3-12626050-C-T.
Other names: c.1970G>A, p.Cys657Tyr (NM_001354689.3); c.1910G>A, p.Cys637Tyr (NM_001354690.3); c.1667G>A, p.Cys556Tyr (NM_001354691.3, NM_001354692.3); c.1811G>A, p.Cys604Tyr (NM_001354693.3); c.1727G>A, p.Cys576Tyr (NM_001354694.3); c.1568G>A, p.Cys523Tyr (NM_001354695.3); short protein forms C523Y, C556Y, C576Y, C604Y, C637Y, C657Y.
Identifiers: ClinVar variation 928753 (VCV000928753.7), dbSNP rs769639669, ClinGen allele CA2259372.

ClinVar aggregate classification (germline): Uncertain significance. Review status: criteria provided, multiple submitters, no conflicts (2 of 4 stars). 3 submissions from 3 submitters: Uncertain significance (3). Last evaluated 2025-08-10.

Conditions:
RASopathy. Also called: rasopathies; Noonan spectrum disorder. Identifiers: Orphanet 536391, MedGen C5555857, MONDO:0021060.
Cardiovascular phenotype. Identifiers: MedGen CN230736.

Allele frequency attached by ClinVar (database versions not stated): gnomAD 0.00001; gnomAD exomes 0.00001 and 0.00002; ExAC 0.00002.
gnomAD v4.1: 19 of 1,614,190 alleles (0.0012%); highest among the groups gnomAD compares: Middle Eastern, 0.016%; no homozygotes.

Submissions (3):

Labcorp Genetics (formerly Invitae), Labcorp
Classification: Uncertain significance for RASopathy. Last evaluated: 2025-08-10. Review status: criteria provided, single submitter. Criteria: Invitae Variant Classification Sherloc (09022015). Collection method: clinical testing. Allele origin: germline.
Comment: This sequence change replaces cysteine, which is neutral and slightly polar, with tyrosine, which is neutral and polar, at codon 637 of the RAF1 protein (p.Cys637Tyr). This variant is present in population databases (rs769639669, gnomAD 0.004%). This missense change has been observed in individual(s) with clinical features of RAF-related conditions (PMID: 35418823). ClinVar contains an entry for this variant (Variation ID: 928753). Invitae Evidence Modeling incorporating data from in vitro experimental studies (internal data) indicates that this missense variant is not expected to disrupt RAF1 function with a negative predictive value of 80%. In summary, the available evidence is currently insufficient to determine the role of this variant in disease. Therefore, it has been classified as a Variant of Uncertain Significance.

Ambry Genetics
Classification: Uncertain significance for Cardiovascular phenotype. Last evaluated: 2022-06-14. Review status: criteria provided, single submitter. Criteria: Ambry Variant Classification Scheme 2023. Collection method: clinical testing. Allele origin: germline.
Comment: The p.C637Y variant (also known as c.1910G>A), located in coding exon 16 of the RAF1 gene, results from a G to A substitution at nucleotide position 1910. The cysteine at codon 637 is replaced by tyrosine, an amino acid with highly dissimilar properties. This amino acid position is conserved. In addition, the in silico prediction for this alteration is inconclusive. Since supporting evidence is limited at this time, the clinical significance of this alteration remains unclear.

Women's Health and Genetics/Laboratory Corporation of America, LabCorp
Classification: Uncertain significance. Last evaluated: 2019-05-13. Review status: criteria provided, single submitter. Criteria: LabCorp Variant Classification Summary - May 2015. Collection method: clinical testing. Allele origin: germline.
Comment: Variant summary: RAF1 c.1910G>A (p.Cys637Tyr) results in a non-conservative amino acid change in the encoded protein sequence. Three of five in-silico tools predict a benign effect of the variant on protein function. The variant allele was found at a frequency of 1.6e-05 in 251302 control chromosomes (gnomAD). The available data on variant occurrences in the general population are insufficient to allow any conclusion about variant significance. To our knowledge, no occurrence of c.1910G>A in individuals affected with Noonan Syndrome and Related Conditions and no experimental evidence demonstrating its impact on protein function have been reported. No clinical diagnostic laboratories have submitted clinical-significance assessments for this variant to ClinVar after 2014. Based on the evidence outlined above, the variant was classified as uncertain significance.

Literature cited by the submitters: PubMed 35418823 (cited by Labcorp Genetics (formerly Invitae), Labcorp).